The following is an entry in ClinVar:

ClinVar aggregate classification (germline): Uncertain significance (1 of 4 stars; one submission).

Allele frequency attached by ClinVar (database versions not stated): gnomAD exomes below 0.00001; gnomAD 0.00001; TOPMed 0.00002.
gnomAD v4.1: 2 of 1,613,966 alleles (0.00012%); highest among the groups gnomAD compares: African/African-American, 0.0027%; no homozygotes.

Submission:

Women's Health and Genetics/Laboratory Corporation of America, LabCorp
Classification: Uncertain significance. Last evaluated: 2024-04-12. Review status: criteria provided, single submitter. Criteria: LabCorp Variant Classification Summary - May 2015. Collection method: clinical testing. Allele origin: germline.
Comment: Variant summary: FUZ c.233+4C>G alters a nucleotide located close to a canonical splice site and therefore could affect mRNA splicing, leading to a significantly altered protein sequence. Consensus agreement among computation tools predict no significant impact on normal splicing. However, these predictions have yet to be confirmed by functional studies. The variant was absent in 251366 control chromosomes. The available data on variant occurrences in the general population are insufficient to allow any conclusion about variant significance. To our knowledge, no occurrence of c.233+4C>G in individuals affected with Neural Tube Defect and no experimental evidence demonstrating its impact on protein function have been reported. No submitters have cited clinical-significance assessments for this variant to ClinVar. Based on the evidence outlined above, the variant was classified as uncertain significance.

NM_025129.5(FUZ):c.233+4C>G

Gene: FUZ (fuzzy planar cell polarity protein; minus strand). Cytogenetic location: 19q13.33.
Variant type: single nucleotide variant.
Coding change: c.233+4C>G on transcript NM_025129.5 (MANE Select); 4 bases into the intron after coding-DNA position 233, C replaced by G.
Molecular consequence: intron variant.
Genome position (GRCh38, 1-based): chr19:49,812,611, G>C on the plus strand (C>G on the coding strand, the complement: FUZ is on the minus strand). VCF-style: chr19-49812611-G-C. GRCh37 (hg19) VCF-style: chr19-50315868-G-C.
Other names: c.83+4C>G (NM_001363663.1); c.210+27C>G (NM_001171937.2); c.233+4C>G (NM_001352262.2).
Identifiers: ClinVar variation 3251308 (VCV003251308.1), dbSNP rs1368058169.